The following is an entry in ClinVar:

NM_003072.5(SMARCA4):c.2775C>A (p.Leu925=)

Gene: SMARCA4 (SWI/SNF related BAF chromatin remodeling complex subunit ATPase 4; plus strand). Cytogenetic location: 19p13.2.
Variant type: single nucleotide variant.
Coding change: c.2775C>A on transcript NM_003072.5 (MANE Select); coding-DNA position 2775, C replaced by A.
Protein change: p.Leu925=; no amino-acid change (leucine 925 retained).
Molecular consequence: synonymous variant. On other transcripts: non-coding transcript variant (1).
Genome position (GRCh38, 1-based): chr19:11,021,883, C>A. VCF-style: chr19-11021883-C-A. GRCh37 (hg19) VCF-style: chr19-11132559-C-A.
Other names: c.2775C>A, p.Leu925= (NM_001128844.3, NM_001128845.2, NM_001128846.2 and 6 more transcripts).
Identifiers: ClinVar variation 5042180 (VCV005042180.1).
Genomic context (GRCh38, chr19:11,021,883, plus strand): 5'-CCGCCTGCTGCTGACGGGCACACCGCTGCAGAACAAGCTTCCCGAGCTCTGGGCGCTGCT[C>A]AACTTCCTGCTGCCCACCATCTTCAAGAGCTGCAGCACCTTCGAGCAGTGGTTTAACGCA-3'
Protein context (NP_003063.2, residues 915-935): QNKLPELWAL[Leu925=]NFLLPTIFKS

ClinVar aggregate classification (germline): Benign (1 of 4 stars; one submission).

Conditions:
Rhabdoid tumor predisposition syndrome 2 (RTPS2). Identifiers: Orphanet 231108, Orphanet 69077, MedGen C2750074, MONDO:0013224, OMIM 613325.

gnomAD v4.1: 1 of 1,613,810 alleles (0.000062%); highest among the groups gnomAD compares: Non-Finnish European, 0.000085%; no homozygotes.

Submission:

Myriad Genetics, Inc.
Classification: Benign for Rhabdoid tumor predisposition syndrome 2. Last evaluated: 2026-07-14. Review status: criteria provided, single submitter. Criteria: Myriad Autosomal Dominant, Autosomal Recessive and X-Linked Classification Criteria (2023). Collection method: clinical testing. Allele origin: unknown.
Comment: This variant is considered benign. This variant is a silent/synonymous amino acid change and it is not expected to impact splicing.